The following is an entry in ClinVar:

ClinVar aggregate classification (germline): Likely pathogenic (1 of 4 stars; one submission).

Allele frequency attached by ClinVar (database versions not stated): gnomAD exomes below 0.00001.

Submission:

GeneDx
Classification: Likely pathogenic. Last evaluated: 2016-08-25. Review status: criteria provided, single submitter. Criteria: GeneDx Variant Classification (06012015). Collection method: clinical testing. Allele origin: germline. Affected: yes.
Comment: The c.562dupC variant in the AUH gene causes a frameshift starting with codon Leucine 188, changes this amino acid to a Proline residue and creates a premature Stop codon at position 2 of the new reading frame, denoted p.Leu188ProfsX2. This variant is predicted to cause loss of normal protein function either through protein truncation or nonsense-mediated mRNA decay. Although this variant has not been previously reported to our knowledge, it is interpreted to be a likely pathogenic variant.

NM_001698.3(AUH):c.562dup (p.Leu188fs)

Gene: AUH (AU RNA binding methylglutaconyl-CoA hydratase; minus strand). Cytogenetic location: 9q22.31.
Variant type: Duplication.
Coding change: c.562dup on transcript NM_001698.3 (MANE Select); coding-DNA position 562, one base duplicated (C; older notation c.562dupC).
Protein change: p.Leu188fs; shifts the reading frame from leucine 188.
Molecular consequence: frameshift variant.
Genome position (GRCh38, 1-based): chr9:91,298,020, G duplicated on the plus strand (C on the coding strand, the reverse complement: AUH is on the minus strand). VCF-style (leftmost placement, unchanged base first): chr9-91298019-A-AG. GRCh37 (hg19) VCF-style: chr9-94060301-A-AG.
Other names: c.475dup, p.Leu159fs (NM_001306190.2); c.235dup, p.Leu79fs (NM_001351431.2, NM_001351432.2, NM_001351433.2); c.562dupC (NM_001698.2); short protein forms L159fs, L188fs, L79fs.
Identifiers: ClinVar variation 422014 (VCV000422014.2), dbSNP rs1554708417, ClinGen allele CA16618864.
Genomic context (GRCh38, chr9:91,298,019, plus strand): 5'-TGTTTTTAACAGGATTAATTCTTACCTGCTACTCGTATATCACAGGCTAAAGCCAGTTCA[A>AG]GACCACCACCTAAAGCGAGTCCATCTATTGCTGCAATTGTTGGTACTGGAAGATTAGCTG-3'